The following is an entry in ClinVar:

NM_000182.5(HADHA):c.2039_2040dup (p.Phe681fs)

Genes: GAREM2 (GRB2 associated regulator of MAPK1 subtype 2; plus strand), HADHA (hydroxyacyl-CoA dehydrogenase trifunctional multienzyme complex subunit alpha; minus strand). Cytogenetic location: 2p23.3.
Variant type: Duplication.
Coding change: c.2039_2040dup on transcript NM_000182.5 (MANE Select); coding-DNA positions 2039 to 2040, 2 bases duplicated (GA; older notation c.2039_2040dupGA).
Protein change: p.Phe681fs; shifts the reading frame from phenylalanine 681.
Molecular consequence: frameshift variant.
Genome position (GRCh38, 1-based): chr2:26,191,589-26,191,590, TC duplicated on the plus strand (GA on the coding strand, the reverse complement: HADHA is on the minus strand); duplicating any 2 consecutive bases within chr2:26,191,589-26,191,591 gives the same sequence; the c. name uses the placement nearest the transcript's 3' end. VCF-style (leftmost placement, unchanged base first): chr2-26191588-A-ATC. GRCh37 (hg19) VCF-style: chr2-26414457-A-ATC.
Other names: short protein forms F681fs.
Identifiers: ClinVar variation 2941242 (VCV002941242.3), dbSNP rs2465506002, ClinGen allele CA2740092710.

ClinVar aggregate classification (germline): Pathogenic (1 of 4 stars; one submission).

Conditions:
Long chain 3-hydroxyacyl-CoA dehydrogenase deficiency. Also called: Deficiency of long-chain 3-hydroxyacyl-coenzyme A dehydrogenase; LCHAD Deficiency. Identifiers: Orphanet 5, MedGen C3711645, MONDO:0012173, OMIM 609016.
Mitochondrial trifunctional protein deficiency. Identifiers: Orphanet 746, MedGen C1969443, MONDO:0012172.

Submission:

Labcorp Genetics (formerly Invitae), Labcorp
Classification: Pathogenic for Mitochondrial trifunctional protein deficiency; Long chain 3-hydroxyacyl-CoA dehydrogenase deficiency. Last evaluated: 2022-11-02. Review status: criteria provided, single submitter. Criteria: Invitae Variant Classification Sherloc (09022015). Collection method: clinical testing. Allele origin: germline.
Comment: This sequence change creates a premature translational stop signal (p.Phe681Aspfs*3) in the HADHA gene. It is expected to result in an absent or disrupted protein product. Loss-of-function variants in HADHA are known to be pathogenic (PMID: 7738175, 21103935, 21549624, 22459206). For these reasons, this variant has been classified as Pathogenic. This variant has not been reported in the literature in individuals affected with HADHA-related conditions. This variant is not present in population databases (gnomAD no frequency).

Literature cited by the submitters: PubMed 7738175; PubMed 21103935; PubMed 21549624; PubMed 22459206.